The following is an entry in ClinVar:

ClinVar aggregate classification (germline): Uncertain significance (1 of 4 stars; one submission).

gnomAD v4.1: 2 of 1,614,070 alleles (0.00012%); highest among the groups gnomAD compares: Non-Finnish European, 0.00017%; no homozygotes.

Submission:

Labcorp Genetics (formerly Invitae), Labcorp
Classification: Uncertain significance. Last evaluated: 2024-04-02. Review status: criteria provided, single submitter. Criteria: Invitae Variant Classification Sherloc (09022015). Collection method: clinical testing. Allele origin: germline.
Comment: This sequence change replaces arginine, which is basic and polar, with glycine, which is neutral and non-polar, at codon 230 of the TSEN34 protein (p.Arg230Gly). This variant is not present in population databases (gnomAD no frequency). This variant has not been reported in the literature in individuals affected with TSEN34-related conditions. An algorithm developed to predict the effect of missense changes on protein structure and function (PolyPhen-2) suggests that this variant is likely to be disruptive. In summary, the available evidence is currently insufficient to determine the role of this variant in disease. Therefore, it has been classified as a Variant of Uncertain Significance.

NM_001077446.4(TSEN34):c.688C>G (p.Arg230Gly)

Gene: TSEN34 (tRNA splicing endonuclease subunit 34; plus strand). Cytogenetic location: 19q13.42.
Variant type: single nucleotide variant.
Coding change: c.688C>G on transcript NM_001077446.4 (MANE Select); coding-DNA position 688, C replaced by G.
Protein change: p.Arg230Gly; replaces arginine 230 with glycine.
Molecular consequence: missense variant.
Genome position (GRCh38, 1-based): chr19:54,192,316, C>G. VCF-style: chr19-54192316-C-G. GRCh37 (hg19) VCF-style: chr19-54696167-C-G.
Other names: c.688C>G, p.Arg230Gly (NM_001282332.2, NM_001282333.2, NM_001386740.1 and 1 more transcripts); short protein forms R230G.
Identifiers: ClinVar variation 3606697 (VCV003606697.2).